The following is an entry in ClinVar:

NM_001127198.5(TMC6):c.1754C>T (p.Pro585Leu)

Gene: TMC6 (transmembrane channel like 6; minus strand). Cytogenetic location: 17q25.3.
Variant type: single nucleotide variant.
Coding change: c.1754C>T on transcript NM_001127198.5 (MANE Select); coding-DNA position 1754, C replaced by T.
Protein change: p.Pro585Leu; replaces proline 585 with leucine.
Molecular consequence: missense variant.
Genome position (GRCh38, 1-based): chr17:78,119,354, G>A on the plus strand (C>T on the coding strand, the complement: TMC6 is on the minus strand). VCF-style: chr17-78119354-G-A. GRCh37 (hg19) VCF-style: chr17-76115435-G-A.
Other names: c.1754C>T, p.Pro585Leu (NM_001321185.1, NM_001374596.1, NM_001375353.1 and 2 more transcripts); c.1574C>T, p.Pro525Leu (NM_001374593.1, NM_001374594.1); c.1754C>T (NM_007267.6); short protein forms P525L, P585L.
Identifiers: ClinVar variation 840128 (VCV000840128.7), dbSNP rs200495626, ClinGen allele CA8795576.

ClinVar aggregate classification (germline): Uncertain significance. Review status: criteria provided, multiple submitters, no conflicts (2 of 4 stars). 2 submissions from 2 submitters: Uncertain significance (2). Last evaluated 2024-01-22.

Conditions:
Epidermodysplasia verruciformis. Identifiers: Orphanet 302, MedGen C0014522, MONDO:0009176.
Inborn genetic diseases. Identifiers: MedGen C0950123, MeSH D030342.

Allele frequency attached by ClinVar (database versions not stated): ESP Exome Variant Server 0.00008; gnomAD exomes 0.00012 and 0.00030; ExAC 0.00014; gnomAD 0.00014; TOPMed 0.00014.
gnomAD v4.1: 454 of 1,613,908 alleles (0.028%); highest among the groups gnomAD compares: Non-Finnish European, 0.037%; no homozygotes.

Submissions (2):

Labcorp Genetics (formerly Invitae), Labcorp
Classification: Uncertain significance for Epidermodysplasia verruciformis. Last evaluated: 2024-01-22. Review status: criteria provided, single submitter. Criteria: Invitae Variant Classification Sherloc (09022015). Collection method: clinical testing. Allele origin: germline.
Comment: This sequence change replaces proline, which is neutral and non-polar, with leucine, which is neutral and non-polar, at codon 585 of the TMC6 protein (p.Pro585Leu). This variant is present in population databases (rs200495626, gnomAD 0.02%). This variant has not been reported in the literature in individuals affected with TMC6-related conditions. ClinVar contains an entry for this variant (Variation ID: 840128). An algorithm developed to predict the effect of missense changes on protein structure and function (PolyPhen-2) suggests that this variant is likely to be disruptive. In summary, the available evidence is currently insufficient to determine the role of this variant in disease. Therefore, it has been classified as a Variant of Uncertain Significance.

Ambry Genetics
Classification: Uncertain significance for Inborn genetic diseases. Last evaluated: 2021-06-22. Review status: criteria provided, single submitter. Criteria: Ambry Variant Classification Scheme 2023. Collection method: clinical testing. Allele origin: germline.